The following is an entry in ClinVar:

ClinVar aggregate classification (germline): Uncertain significance. Review status: criteria provided, multiple submitters, no conflicts (2 of 4 stars). 2 submissions from 2 submitters: Uncertain significance (2). Last evaluated 2024-08-07.

Conditions:
Inborn genetic diseases. Identifiers: MedGen C0950123, MeSH D030342.

Allele frequency attached by ClinVar (database versions not stated): TOPMed below 0.00001; gnomAD 0.00001.

Submissions (2):

GeneDx
Classification: Uncertain significance. Last evaluated: 2024-08-07. Review status: criteria provided, single submitter. Criteria: GeneDx Variant Classification Process June 2021. Collection method: clinical testing. Allele origin: germline. Affected: yes.
Comment: Not observed at significant frequency in large population cohorts (gnomAD); In silico analysis indicates that this missense variant does not alter protein structure/function; Has not been previously published as pathogenic or benign to our knowledge

Ambry Genetics
Classification: Uncertain significance for Inborn genetic diseases. Last evaluated: 2023-12-22. Review status: criteria provided, single submitter. Criteria: Ambry Variant Classification Scheme 2023. Collection method: clinical testing. Allele origin: germline.

NM_001205293.3(CACNA1E):c.4556T>C (p.Met1519Thr)

Gene: CACNA1E (calcium voltage-gated channel subunit alpha1 E; plus strand). Cytogenetic location: 1q25.3.
Variant type: single nucleotide variant.
Coding change: c.4556T>C on transcript NM_001205293.3 (MANE Select); coding-DNA position 4556, T replaced by C.
Protein change: p.Met1519Thr; replaces methionine 1519 with threonine.
Molecular consequence: missense variant.
Genome position (GRCh38, 1-based): chr1:181,758,819, T>C. VCF-style: chr1-181758819-T-C. GRCh37 (hg19) VCF-style: chr1-181727955-T-C.
Other names: c.4556T>C, p.Met1519Thr (NM_000721.4); c.4499T>C, p.Met1500Thr (NM_001205294.2); c.4556T>C (NM_000721.3); short protein forms M1500T, M1519T.
Identifiers: ClinVar variation 3136335 (VCV003136335.2), dbSNP rs1443993525, ClinGen allele CA343625628.